The following is an entry in ClinVar:

ClinVar aggregate classification (germline): Uncertain significance (1 of 4 stars; one submission).

Conditions:
Multiple congenital anomalies-hypotonia-seizures syndrome 3 (MCAHS3). Also called: GLYCOSYLPHOSPHATIDYLINOSITOL BIOSYNTHESIS DEFECT 7. Identifiers: Orphanet 369837, MedGen C3809356, MONDO:0014165, OMIM 615398.

Allele frequency attached by ClinVar (database versions not stated): gnomAD 0.00001; ExAC 0.00003; TOPMed 0.00003.

Submission:

Labcorp Genetics (formerly Invitae), Labcorp
Classification: Uncertain significance for Multiple congenital anomalies-hypotonia-seizures syndrome 3. Last evaluated: 2024-01-22. Review status: criteria provided, single submitter. Criteria: Invitae Variant Classification Sherloc (09022015). Collection method: clinical testing. Allele origin: germline.
Comment: This sequence change replaces arginine, which is basic and polar, with cysteine, which is neutral and slightly polar, at codon 230 of the PIGT protein (p.Arg230Cys). This variant is present in population databases (rs778594502, gnomAD 0.01%). This variant has not been reported in the literature in individuals affected with PIGT-related conditions. ClinVar contains an entry for this variant (Variation ID: 2186263). An algorithm developed to predict the effect of missense changes on protein structure and function (PolyPhen-2) suggests that this variant is likely to be disruptive. In summary, the available evidence is currently insufficient to determine the role of this variant in disease. Therefore, it has been classified as a Variant of Uncertain Significance.

NM_015937.6(PIGT):c.688C>T (p.Arg230Cys)

Gene: PIGT (phosphatidylinositol glycan anchor biosynthesis class T; plus strand). Cytogenetic location: 20q13.12.
Variant type: single nucleotide variant.
Coding change: c.688C>T on transcript NM_015937.6 (MANE Select); coding-DNA position 688, C replaced by T.
Protein change: p.Arg230Cys; replaces arginine 230 with cysteine.
Molecular consequence: missense variant. On other transcripts: non-coding transcript variant (5).
Genome position (GRCh38, 1-based): chr20:45,420,142, C>T. VCF-style: chr20-45420142-C-T. GRCh37 (hg19) VCF-style: chr20-44048782-C-T.
Other names: c.520C>T, p.Arg174Cys (NM_001184728.3); c.688C>T, p.Arg230Cys (NM_001184729.3); c.382C>T, p.Arg128Cys (NM_001184730.3); short protein forms R128C, R174C, R230C.
Identifiers: ClinVar variation 2186263 (VCV002186263.4), dbSNP rs778594502, ClinGen allele CA9878018.